The following is an entry in ClinVar:

ClinVar aggregate classification (germline): Uncertain significance (1 of 4 stars; one submission).

gnomAD v4.1: 9 of 1,565,624 alleles (0.00057%); highest among the groups gnomAD compares: East Asian, 0.0023%; no homozygotes.

Submission:

GeneDx
Classification: Uncertain significance. Last evaluated: 2024-12-28. Review status: criteria provided, single submitter. Criteria: GeneDx Variant Classification Process June 2021. Collection method: clinical testing. Allele origin: germline. Affected: yes.
Comment: Not observed at significant frequency in large population cohorts (gnomAD); In silico analysis indicates that this missense variant does not alter protein structure/function; This variant is associated with the following publications: (PMID: 31829210)

NM_002860.4(ALDH18A1):c.1597G>A (p.Val533Met)

Gene: ALDH18A1 (aldehyde dehydrogenase 18 family member A1; minus strand). Cytogenetic location: 10q24.1.
Variant type: single nucleotide variant.
Coding change: c.1597G>A on transcript NM_002860.4 (MANE Select); coding-DNA position 1597, G replaced by A.
Protein change: p.Val533Met; replaces valine 533 with methionine.
Molecular consequence: missense variant.
Genome position (GRCh38, 1-based): chr10:95,616,485, C>T on the plus strand (G>A on the coding strand, the complement: ALDH18A1 is on the minus strand). VCF-style: chr10-95616485-C-T. GRCh37 (hg19) VCF-style: chr10-97376242-C-T.
Other names: c.1591G>A, p.Val531Met (NM_001017423.2, NM_001323415.2); c.1264G>A, p.Val422Met (NM_001323412.2, NM_001323416.2); c.1597G>A, p.Val533Met (NM_001323413.2, NM_001323414.2); c.1492G>A, p.Val498Met (NM_001323417.2); c.1258G>A, p.Val420Met (NM_001323418.2); c.961G>A, p.Val321Met (NM_001323419.2); short protein forms V321M, V420M, V422M, V498M, V531M, V533M.
Identifiers: ClinVar variation 3907755 (VCV003907755.1).